The following is an entry in ClinVar:

NM_012293.3(PXDN):c.3539C>T (p.Ser1180Leu)

Gene: PXDN (peroxidasin; minus strand). Cytogenetic location: 2p25.3.
Variant type: single nucleotide variant.
Coding change: c.3539C>T on transcript NM_012293.3 (MANE Select); coding-DNA position 3539, C replaced by T.
Protein change: p.Ser1180Leu; replaces serine 1180 with leucine.
Molecular consequence: missense variant.
Genome position (GRCh38, 1-based): chr2:1,648,241, G>A on the plus strand (C>T on the coding strand, the complement: PXDN is on the minus strand). VCF-style: chr2-1648241-G-A. GRCh37 (hg19) VCF-style: chr2-1652013-G-A.
Other names: short protein forms S1180L.
Identifiers: ClinVar variation 3150065 (VCV003150065.2), dbSNP rs762729628, ClinGen allele CA1512715.
Genomic context (GRCh38, chr2:1,648,241, plus strand): 5'-TTCTCCCGGATCTCAGGGTTTTTAATCTCATTTTTCAGGTCCTCGAACGTGTGTGCCGCC[G>A]ATAGATTGCAGTAGACCCTGTAGTCGTGGTAGGGTGGGATCCCGTGGTCCCGGCCCCGCT-3'
Protein context (NP_036425.1, residues 1170-1190): YHDYRVYCNL[Ser1180Leu]AAHTFEDLKN

ClinVar aggregate classification (germline): Uncertain significance. Review status: criteria provided, multiple submitters, no conflicts (2 of 4 stars). 2 submissions from 2 submitters: Uncertain significance (2). Last evaluated 2026-04-08.

Conditions:
Inborn genetic diseases. Identifiers: MedGen C0950123, MeSH D030342.

Allele frequency attached by ClinVar (database versions not stated): ExAC 0.00004; 1000 Genomes Project 30x 0.00016; gnomAD 0.00001; gnomAD exomes 0.00002; TOPMed 0.00002.
gnomAD v4.1: 36 of 1,613,908 alleles (0.0022%); highest among the groups gnomAD compares: East Asian, 0.04%; no homozygotes.

Submissions (2):

GeneDx
Classification: Uncertain significance. Last evaluated: 2026-04-08. Review status: criteria provided, single submitter. Criteria: GeneDx Variant Classification Process June 2021. Collection method: clinical testing. Allele origin: germline.
Comment: In silico analysis supports that this missense variant has a deleterious effect on protein structure/function; Has not been previously published as pathogenic or benign to our knowledge

Ambry Genetics
Classification: Uncertain significance for Inborn genetic diseases. Last evaluated: 2024-02-13. Review status: criteria provided, single submitter. Criteria: Ambry Variant Classification Scheme 2023. Collection method: clinical testing. Allele origin: germline.